The following is an entry in ClinVar:

ClinVar aggregate classification (germline): Uncertain significance. Review status: criteria provided, multiple submitters, no conflicts (2 of 4 stars). 4 submissions from 4 submitters: Uncertain significance (3). 1 of the submissions does not count toward it. Last evaluated 2024-12-02.

Conditions:
Abetalipoproteinaemia (ABL). Also called: Abetalipoproteinemia; Abetalipoproteinemia neuropathy; Apolipoprotein B deficiency; Congenital betalipoprotein deficiency syndrome; MTP DEFICIENCY. Identifiers: Orphanet 14, MedGen C0000744, MONDO:0008692, OMIM 200100, HP:0008181.
Inborn genetic diseases. Identifiers: MedGen C0950123, MeSH D030342.

Allele frequency attached by ClinVar (database versions not stated): ExAC 0.00002; gnomAD exomes 0.00002 and 0.00004; TOPMed 0.00003; 1000 Genomes Project 30x 0.00016; 1000 Genomes Project 0.00020.
gnomAD v4.1: 67 of 1,614,008 alleles (0.0042%); highest among the groups gnomAD compares: Middle Eastern, 0.033%; 2 homozygotes.

Submissions (4):

Labcorp Genetics (formerly Invitae), Labcorp
Classification: Uncertain significance. Last evaluated: 2024-12-02. Review status: criteria provided, single submitter. Criteria: Invitae Variant Classification Sherloc (09022015). Collection method: clinical testing. Allele origin: germline.
Comment: This sequence change replaces valine, which is neutral and non-polar, with phenylalanine, which is neutral and non-polar, at codon 293 of the MTTP protein (p.Val293Phe). This variant is present in population databases (rs146548751, gnomAD 0.006%). This variant has not been reported in the literature in individuals affected with MTTP-related conditions. ClinVar contains an entry for this variant (Variation ID: 965221). Invitae Evidence Modeling of protein sequence and biophysical properties (such as structural, functional, and spatial information, amino acid conservation, physicochemical variation, residue mobility, and thermodynamic stability) indicates that this missense variant is not expected to disrupt MTTP protein function with a negative predictive value of 80%. In summary, the available evidence is currently insufficient to determine the role of this variant in disease. Therefore, it has been classified as a Variant of Uncertain Significance.

Mayo Clinic Laboratories, Mayo Clinic
Classification: Uncertain significance. Last evaluated: 2023-08-08. Review status: criteria provided, single submitter. Criteria: ACMG Guidelines, 2015. Collection method: clinical testing. Allele origin: germline. Observed: 1 variant allele.
Comment: BP4

Ambry Genetics
Classification: Uncertain significance for Inborn genetic diseases. Last evaluated: 2021-07-21. Review status: criteria provided, single submitter. Criteria: Ambry Variant Classification Scheme 2023. Collection method: clinical testing. Allele origin: germline.

Natera, Inc.
Classification: Uncertain significance for Abetalipoproteinemia. Last evaluated: 2019-12-31. Review status: no assertion criteria provided. Collection method: clinical testing. Allele origin: germline. Not counted in ClinVar's aggregate classification.

NM_001386140.1(MTTP):c.877G>T (p.Val293Phe)

Gene: MTTP (microsomal triglyceride transfer protein; plus strand). Cytogenetic location: 4q23.
Variant type: single nucleotide variant.
Coding change: c.877G>T on transcript NM_001386140.1 (MANE Select); coding-DNA position 877, G replaced by T.
Protein change: p.Val293Phe; replaces valine 293 with phenylalanine.
Molecular consequence: missense variant.
Genome position (GRCh38, 1-based): chr4:99,594,851, G>T. VCF-style: chr4-99594851-G-T. GRCh37 (hg19) VCF-style: chr4-100516008-G-T.
Other names: p.Val293Phe; c.877G>T, p.Val293Phe (NM_000253.4); c.628G>T, p.Val210Phe (NM_001300785.2); c.877G>T (NM_000253.2); short protein forms V293F, V210F.
Identifiers: ClinVar variation 965221 (VCV000965221.7), dbSNP rs146548751, ClinGen allele CA3021965.
Genomic context (GRCh38, chr4:99,594,851, plus strand): 5'-GCTGCAGCCATAATCAAAGCAGTTGATTCAAAGTACACGGCCATTCCCATTGTGGGGCAG[G>T]TCTTCCAGAGCCACTGTAAAGGATGTCCTTCTGTAAGTGCAGACAAATATGGGAATAATC-3'
Protein context (NP_001373069.1, residues 283-303): KYTAIPIVGQ[Val293Phe]FQSHCKGCPS